The following is an entry in ClinVar:

NM_018249.6(CDK5RAP2):c.410C>T (p.Ala137Val)

Gene: CDK5RAP2 (CDK5 regulatory subunit associated protein 2; minus strand). Cytogenetic location: 9q33.2.
Variant type: single nucleotide variant.
Coding change: c.410C>T on transcript NM_018249.6 (MANE Select); coding-DNA position 410, C replaced by T.
Protein change: p.Ala137Val; replaces alanine 137 with valine.
Molecular consequence: missense variant. On other transcripts: non-coding transcript variant (5).
Genome position (GRCh38, 1-based): chr9:120,539,138, G>A on the plus strand (C>T on the coding strand, the complement: CDK5RAP2 is on the minus strand). VCF-style: chr9-120539138-G-A. GRCh37 (hg19) VCF-style: chr9-123301416-G-A.
Other names: c.410C>T, p.Ala137Val (NM_001011649.3, NM_001272039.2, NM_001410992.1 and 2 more transcripts); short protein forms A137V.
Identifiers: ClinVar variation 1965455 (VCV001965455.5), dbSNP rs2539696798, ClinGen allele CA374708567.
Genomic context (GRCh38, chr9:120,539,138, plus strand): 5'-TCCACCTGCTGCACCTTCTTTCGAGCATCTTCTTTCACCCGCTGGATTTCAGAGCCACCT[G>A]CTTCAGCTAAGCTCTCAACTGCTTTGCTGCAAAAAGAGGCACAGGGGTAAAACATGCAAG-3'
Protein context (NP_060719.4, residues 127-147): ASKAVESLAE[Ala137Val]GGSEIQRVKE

ClinVar aggregate classification (germline): Uncertain significance (1 of 4 stars; one submission).

Submission:

Labcorp Genetics (formerly Invitae), Labcorp
Classification: Uncertain significance. Last evaluated: 2024-05-06. Review status: criteria provided, single submitter. Criteria: Invitae Variant Classification Sherloc (09022015). Collection method: clinical testing. Allele origin: germline.
Comment: This sequence change replaces alanine, which is neutral and non-polar, with valine, which is neutral and non-polar, at codon 137 of the CDK5RAP2 protein (p.Ala137Val). This variant is not present in population databases (gnomAD no frequency). This variant has not been reported in the literature in individuals affected with CDK5RAP2-related conditions. ClinVar contains an entry for this variant (Variation ID: 1965455). An algorithm developed to predict the effect of missense changes on protein structure and function (PolyPhen-2) suggests that this variant is likely to be disruptive. In summary, the available evidence is currently insufficient to determine the role of this variant in disease. Therefore, it has been classified as a Variant of Uncertain Significance.